The following is an entry in ClinVar:

ClinVar aggregate classification (germline): Uncertain significance. Review status: criteria provided, multiple submitters, no conflicts (2 of 4 stars). 2 submissions from 2 submitters: Uncertain significance (2). Last evaluated 2024-12-10.

Conditions:
Inborn genetic diseases. Identifiers: MedGen C0950123, MeSH D030342.
Familial cold autoinflammatory syndrome 2 (FCAS2). Identifiers: Orphanet 247868, MedGen C2673198, MONDO:0012724, OMIM 611762.

Submissions (2):

Labcorp Genetics (formerly Invitae), Labcorp
Classification: Uncertain significance for Familial cold autoinflammatory syndrome 2. Last evaluated: 2024-12-10. Review status: criteria provided, single submitter. Criteria: Invitae Variant Classification Sherloc (09022015). Collection method: clinical testing. Allele origin: germline.
Comment: This sequence change replaces threonine, which is neutral and polar, with isoleucine, which is neutral and non-polar, at codon 158 of the NLRP12 protein (p.Thr158Ile). This variant is present in population databases (rs760404956, gnomAD 0.04%). This variant has not been reported in the literature in individuals affected with NLRP12-related conditions. ClinVar contains an entry for this variant (Variation ID: 2064406). An algorithm developed to predict the effect of missense changes on protein structure and function (PolyPhen-2) suggests that this variant is likely to be disruptive. In summary, the available evidence is currently insufficient to determine the role of this variant in disease. Therefore, it has been classified as a Variant of Uncertain Significance.

Ambry Genetics
Classification: Uncertain significance for Inborn genetic diseases. Last evaluated: 2021-08-10. Review status: criteria provided, single submitter. Criteria: Ambry Variant Classification Scheme 2023. Collection method: clinical testing. Allele origin: germline.

NM_144687.4(NLRP12):c.473C>T (p.Thr158Ile)

Gene: NLRP12 (NLR family pyrin domain containing 12; minus strand). Cytogenetic location: 19q13.42.
Variant type: single nucleotide variant.
Coding change: c.473C>T on transcript NM_144687.4 (MANE Select); coding-DNA position 473, C replaced by T.
Protein change: p.Thr158Ile; replaces threonine 158 with isoleucine.
Molecular consequence: missense variant.
Genome position (GRCh38, 1-based): chr19:53,811,186, G>A on the plus strand (C>T on the coding strand, the complement: NLRP12 is on the minus strand). VCF-style: chr19-53811186-G-A. GRCh37 (hg19) VCF-style: chr19-54314440-G-A.
Other names: c.473C>T, p.Thr158Ile (NM_001277126.2, NM_001277129.1); short protein forms T158I.
Identifiers: ClinVar variation 2064406 (VCV002064406.5), dbSNP rs760404956, ClinGen allele CA9639693.
Genomic context (GRCh38, chr19:53,811,186, plus strand): 5'-TCCAGAAGCTGCTGCTGGACCTGCATGGGGTTTGAGTGCTCCTTCACCAGCAGGAGCCGG[G>A]TGTACCGGTGGCTGAGGTTGACACATTCCCCTAGGCGCGCATTGCGGTCTTCCATGAGCC-3'
Protein context (NP_653288.1, residues 148-168): GECVNLSHRY[Thr158Ile]RLLLVKEHSN